The following is an entry in ClinVar:

ClinVar aggregate classification (germline): Uncertain significance. Review status: criteria provided, multiple submitters, no conflicts (2 of 4 stars). 2 submissions from 2 submitters: Uncertain significance (2). Last evaluated 2025-08-31.

Conditions:
Inborn genetic diseases. Identifiers: MedGen C0950123, MeSH D030342.

Allele frequency attached by ClinVar (database versions not stated): ExAC 0.00001; gnomAD exomes 0.00003; gnomAD 0.00004; TOPMed 0.00005; ESP Exome Variant Server 0.00008.
gnomAD v4.1: 50 of 1,613,956 alleles (0.0031%); highest among the groups gnomAD compares: Middle Eastern, 0.066%; no homozygotes.

Submissions (2):

Ambry Genetics
Classification: Uncertain significance for Inborn genetic diseases. Last evaluated: 2025-08-31. Review status: criteria provided, single submitter. Criteria: Ambry Variant Classification Scheme 2023. Collection method: clinical testing. Allele origin: germline.

Labcorp Genetics (formerly Invitae), Labcorp
Classification: Uncertain significance. Last evaluated: 2025-02-10. Review status: criteria provided, single submitter. Criteria: Invitae Variant Classification Sherloc (09022015). Collection method: clinical testing. Allele origin: germline.
Comment: This sequence change replaces arginine, which is basic and polar, with tryptophan, which is neutral and slightly polar, at codon 132 of the RNF168 protein (p.Arg132Trp). This variant is present in population databases (rs142489941, gnomAD 0.01%). This variant has not been reported in the literature in individuals affected with RNF168-related conditions. ClinVar contains an entry for this variant (Variation ID: 2181803). An algorithm developed to predict the effect of missense changes on protein structure and function (PolyPhen-2) suggests that this variant is likely to be tolerated. In summary, the available evidence is currently insufficient to determine the role of this variant in disease. Therefore, it has been classified as a Variant of Uncertain Significance.

NM_152617.4(RNF168):c.394C>T (p.Arg132Trp)

Gene: RNF168 (ring finger protein 168; minus strand). Cytogenetic location: 3q29.
Variant type: single nucleotide variant.
Coding change: c.394C>T on transcript NM_152617.4 (MANE Select); coding-DNA position 394, C replaced by T.
Protein change: p.Arg132Trp; replaces arginine 132 with tryptophan.
Molecular consequence: missense variant.
Genome position (GRCh38, 1-based): chr3:196,487,563, G>A on the plus strand (C>T on the coding strand, the complement: RNF168 is on the minus strand). VCF-style: chr3-196487563-G-A. GRCh37 (hg19) VCF-style: chr3-196214434-G-A.
Other names: short protein forms R132W.
Identifiers: ClinVar variation 2181803 (VCV002181803.5), dbSNP rs142489941, ClinGen allele CA2780942.